The following is an entry in ClinVar:

NM_005732.4(RAD50):c.1793+1del

Gene: RAD50 (RAD50 double strand break repair protein; plus strand). Cytogenetic location: 5q31.1.
Variant type: Deletion.
Coding change: c.1793+1del on transcript NM_005732.4 (MANE Select); the canonical splice donor site of the intron after coding-DNA position 1793, one base deleted (G; older notation c.1793+1delG).
Molecular consequence: splice donor variant.
Genome position (GRCh38, 1-based): chr5:132,592,035, G deleted. VCF-style (leftmost placement, unchanged base first): chr5-132592034-AG-A. GRCh37 (hg19) VCF-style: chr5-131927726-AG-A.
Identifiers: ClinVar variation 2811500 (VCV002811500.3), dbSNP rs2479643939, ClinGen allele CA2675217838.

ClinVar aggregate classification (germline): Likely pathogenic (1 of 4 stars; one submission).

Conditions:
Hereditary cancer-predisposing syndrome. Also called: Tumor predisposition; Hereditary Cancer Syndrome; Hereditary neoplastic syndrome; Neoplastic Syndromes, Hereditary. Identifiers: Orphanet 140162, MedGen C0027672, MeSH D009386, MONDO:0015356.

Allele frequency attached by ClinVar (database versions not stated): gnomAD exomes below 0.00001.

Submission:

Labcorp Genetics (formerly Invitae), Labcorp
Classification: Likely pathogenic for Hereditary cancer-predisposing syndrome. Last evaluated: 2023-01-15. Review status: criteria provided, single submitter. Criteria: Invitae Variant Classification Sherloc (09022015). Collection method: clinical testing. Allele origin: germline.
Comment: This variant has not been reported in the literature in individuals affected with RAD50-related conditions. In summary, the currently available evidence indicates that the variant is pathogenic, but additional data are needed to prove that conclusively. Therefore, this variant has been classified as Likely Pathogenic. Algorithms developed to predict the effect of sequence changes on RNA splicing suggest that this variant may disrupt the consensus splice site. This variant is not present in population databases (gnomAD no frequency). This sequence change affects a splice site in intron 11 of the RAD50 gene. It is expected to disrupt RNA splicing. Variants that disrupt the donor or acceptor splice site typically lead to a loss of protein function (PMID: 16199547), and loss-of-function variants in RAD50 are known to be pathogenic (PMID: 19409520).

Literature cited by the submitters: PubMed 16199547; PubMed 19409520.